The following is an entry in ClinVar:

ClinVar aggregate classification (germline): Uncertain significance (1 of 4 stars; one submission).

Conditions:
Hereditary cancer-predisposing syndrome. Also called: Hereditary neoplastic syndrome; Neoplastic Syndromes, Hereditary; Tumor predisposition; Hereditary Cancer Syndrome. Identifiers: Orphanet 140162, MedGen C0027672, MeSH D009386, MONDO:0015356.

Submission:

Ambry Genetics
Classification: Uncertain significance for Hereditary cancer-predisposing syndrome. Last evaluated: 2025-03-12. Review status: criteria provided, single submitter. Criteria: Ambry Variant Classification Scheme 2023. Collection method: clinical testing. Allele origin: germline.
Comment: The p.K2392R variant (also known as c.7175A>G), located in coding exon 13 of the BRCA2 gene, results from an A to G substitution at nucleotide position 7175. The lysine at codon 2392 is replaced by arginine, an amino acid with highly similar properties. This amino acid position is not well conserved in available vertebrate species. In addition, this alteration is predicted to be tolerated by in silico analysis. Based on the available evidence, the clinical significance of this variant remains unclear.

NM_000059.4(BRCA2):c.7175A>G (p.Lys2392Arg)

Gene: BRCA2 (BRCA2 DNA repair associated; plus strand). Cytogenetic location: 13q13.1.
Variant type: single nucleotide variant.
Coding change: c.7175A>G on transcript NM_000059.4 (MANE Select); coding-DNA position 7175, A replaced by G.
Protein change: p.Lys2392Arg; replaces lysine 2392 with arginine.
Molecular consequence: missense variant. On other transcripts: non-coding transcript variant (1).
Genome position (GRCh38, 1-based): chr13:32,355,028, A>G. VCF-style: chr13-32355028-A-G. GRCh37 (hg19) VCF-style: chr13-32929165-A-G.
Other names: c.7079A>G, p.Lys2360Arg (NM_001406719.1); c.7175A>G, p.Lys2392Arg (NM_001406720.1, NM_001432077.1); c.2243A>G, p.Lys748Arg (NM_001406721.1); c.758A>G, p.Lys253Arg (NM_001406722.1); short protein forms K2392R, K748R, K2360R, K253R.
Identifiers: ClinVar variation 3825485 (VCV003825485.1).